The following is an entry in ClinVar:

ClinVar aggregate classification (germline): Uncertain significance (1 of 4 stars; one submission).

Conditions:
Pitt-Hopkins syndrome (PTHS). Also called: ENCEPHALOPATHY, SEVERE EPILEPTIC, WITH AUTONOMIC DYSFUNCTION; MENTAL RETARDATION, SYNDROMAL, WITH INTERMITTENT HYPERVENTILATION. Identifiers: Orphanet 2896, MedGen C1970431, MONDO:0012589, OMIM 610954.

Allele frequency attached by ClinVar (database versions not stated): gnomAD exomes below 0.00001.
gnomAD v4.1: 1 of 1,613,610 alleles (0.000062%); highest among the groups gnomAD compares: Non-Finnish European, 0.000085%; no homozygotes.

Submission:

Labcorp Genetics (formerly Invitae), Labcorp
Classification: Uncertain significance for Pitt-Hopkins syndrome. Last evaluated: 2023-11-17. Review status: criteria provided, single submitter. Criteria: Invitae Variant Classification Sherloc (09022015). Collection method: clinical testing. Allele origin: germline.
Comment: This sequence change replaces lysine, which is basic and polar, with asparagine, which is neutral and polar, at codon 171 of the TCF4 protein (p.Lys171Asn). This variant is not present in population databases (gnomAD no frequency). This variant has not been reported in the literature in individuals affected with TCF4-related conditions. ClinVar contains an entry for this variant (Variation ID: 946133). Advanced modeling of protein sequence and biophysical properties (such as structural, functional, and spatial information, amino acid conservation, physicochemical variation, residue mobility, and thermodynamic stability) performed at Invitae indicates that this missense variant is not expected to disrupt TCF4 protein function with a negative predictive value of 80%. In summary, the available evidence is currently insufficient to determine the role of this variant in disease. Therefore, it has been classified as a Variant of Uncertain Significance.

NM_001083962.2(TCF4):c.513G>C (p.Lys171Asn)

Gene: TCF4 (transcription factor 4; minus strand). Cytogenetic location: 18q21.2.
Variant type: single nucleotide variant.
Coding change: c.513G>C on transcript NM_001083962.2 (MANE Select); coding-DNA position 513, G replaced by C.
Protein change: p.Lys171Asn; replaces lysine 171 with asparagine.
Molecular consequence: missense variant.
Genome position (GRCh38, 1-based): chr18:55,350,395, C>G on the plus strand (G>C on the coding strand, the complement: TCF4 is on the minus strand). VCF-style: chr18-55350395-C-G. GRCh37 (hg19) VCF-style: chr18-53017626-C-G.
Other names: c.819G>C, p.Lys273Asn (NM_001243226.3); c.441G>C, p.Lys147Asn (NM_001243227.2, NM_001306207.1, NM_001348217.1 and 9 more transcripts); c.513G>C, p.Lys171Asn (NM_001243228.2, NM_001330604.3, NM_001369567.1 and 5 more transcripts); c.507G>C, p.Lys169Asn (NM_001243230.2); c.387G>C, p.Lys129Asn (NM_001243231.2, NM_001348211.2); c.300G>C, p.Lys100Asn (NM_001243232.1, NM_001306208.1); c.123G>C, p.Lys41Asn (NM_001243233.2, NM_001330605.3, NM_001348212.2 and 1 more transcripts); c.438G>C, p.Lys146Asn (NM_001348220.1, NM_001369578.1, NM_001369581.1 and 3 more transcripts); and 1 more; short protein forms K273N, K129N, K170N, K171N, K146N, K169N, K100N, K147N.
Identifiers: ClinVar variation 946133 (VCV000946133.9), dbSNP rs2082088013, ClinGen allele CA402702403.
Genomic context (GRCh38, chr18:55,350,395, plus strand): 5'-AAAGCAGAAACAAGCAGTACTTACTGAAGATGGCAAACCTGGAGGAACTTTTCGAACTTT[C>G]TTTGTCTGTACCTCTGAAAGAAAATGAAGATGCTTTCAGCTCCCAAATGCCCATTTTCCT-3'
Protein context (NP_001077431.1, residues 161-181): LHSSAMEVQT[Lys171Asn]KVRKVPPGLP